The following is an entry in ClinVar:

ClinVar aggregate classification (germline): Uncertain significance. Review status: criteria provided, multiple submitters, no conflicts (2 of 4 stars). 2 submissions from 2 submitters: Uncertain significance (2). Last evaluated 2023-04-27.

Conditions:
BBS9-related disorder. Also called: BBS9-related condition.
Bardet-Biedl syndrome (BBS). Identifiers: Orphanet 110, MedGen C0752166, MONDO:0015229.

Allele frequency attached by ClinVar (database versions not stated): TOPMed 0.00001.
gnomAD v4.1: 1 of 1,613,268 alleles (0.000062%); highest among the groups gnomAD compares: African/African-American, 0.0013%; no homozygotes.

Submissions (2):

PreventionGenetics, part of Exact Sciences
Classification: Uncertain significance for BBS9-related condition. Last evaluated: 2023-04-27. Review status: criteria provided, single submitter. Criteria: ACMG Guidelines, 2015. Collection method: clinical testing. Allele origin: germline.
Comment: The BBS9 c.176C>A variant is predicted to result in the amino acid substitution p.Thr59Lys. To our knowledge, this variant has not been reported in the literature. This variant is reported in 0.0062% of alleles in individuals of African descent in gnomAD. At this time, the clinical significance of this variant is uncertain due to the absence of conclusive functional and genetic evidence.

Labcorp Genetics (formerly Invitae), Labcorp
Classification: Uncertain significance for Bardet-Biedl syndrome. Last evaluated: 2022-09-27. Review status: criteria provided, single submitter. Criteria: Invitae Variant Classification Sherloc (09022015). Collection method: clinical testing. Allele origin: germline.
Comment: This sequence change replaces threonine, which is neutral and polar, with lysine, which is basic and polar, at codon 59 of the BBS9 protein (p.Thr59Lys). This variant is not present in population databases (gnomAD no frequency). This variant has not been reported in the literature in individuals affected with BBS9-related conditions. ClinVar contains an entry for this variant (Variation ID: 1427492). Advanced modeling of protein sequence and biophysical properties (such as structural, functional, and spatial information, amino acid conservation, physicochemical variation, residue mobility, and thermodynamic stability) performed at Invitae indicates that this missense variant is not expected to disrupt BBS9 protein function. In summary, the available evidence is currently insufficient to determine the role of this variant in disease. Therefore, it has been classified as a Variant of Uncertain Significance.

NM_198428.3(BBS9):c.176C>A (p.Thr59Lys)

Gene: BBS9 (Bardet-Biedl syndrome 9; plus strand). Cytogenetic location: 7p14.3.
Variant type: single nucleotide variant.
Coding change: c.176C>A on transcript NM_198428.3 (MANE Select); coding-DNA position 176, C replaced by A.
Protein change: p.Thr59Lys; replaces threonine 59 with lysine.
Molecular consequence: missense variant. On other transcripts: 5 prime UTR variant (4), non-coding transcript variant (3), intron variant (2).
Genome position (GRCh38, 1-based): chr7:33,152,764, C>A. VCF-style: chr7-33152764-C-A. GRCh37 (hg19) VCF-style: chr7-33192376-C-A.
Other names: c.41C>A, p.Thr14Lys (NM_001348042.3); c.176C>A, p.Thr59Lys (NM_001348043.3, NM_001362679.1, NM_014451.4 and 5 more transcripts); c.-126C>A (NM_001348045.3, NM_001348037.3); c.-39+22723C>A (NM_001348046.3, NM_001348044.3); c.176C>A (NM_198428.2); c.-102C>A (NM_001348038.3, NM_001348039.3); short protein forms T14K, T59K.
Identifiers: ClinVar variation 1427492 (VCV001427492.5), dbSNP rs749727731, ClinGen allele CA367190349.
Genomic context (GRCh38, chr7:33,152,764, plus strand): 5'-AAATAATTGTGGGTAGCTTTATGGGATACCTAAGGATCTTTAGCCCCCATCCTGCAAAAA[C>A]AGGAGATGGAGCTCAAGCCGAAGATTTGCTTCTAGAAGTGGATCTACGAGATCCAGTACT-3'
Protein context (NP_940820.1, residues 49-69): LRIFSPHPAK[Thr59Lys]GDGAQAEDLL